The following is an entry in ClinVar:

ClinVar aggregate classification (germline): Likely benign. Review status: criteria provided, multiple submitters, no conflicts (2 of 4 stars). 4 submissions from 4 submitters: Likely benign (4). Last evaluated 2023-10-27.

Conditions:
Cardiomyopathy (CMYO). Also called: Cardiomyopathies. Identifiers: Orphanet 167848, MedGen C0878544, MONDO:0004994, HP:0001638. Inheritance: Various modes of inheritance.
Hypertrophic cardiomyopathy. Also called: HYPERTROPHIC MYOCARDIOPATHY. Identifiers: Orphanet 217569, MedGen C0007194, MeSH D002312, MONDO:0005045, HP:0001639.

gnomAD v4.1: 18 of 1,613,938 alleles (0.0011%); highest among the groups gnomAD compares: South Asian, 0.016%; no homozygotes.

Submissions (4):

Labcorp Genetics (formerly Invitae), Labcorp
Classification: Likely benign for Hypertrophic cardiomyopathy. Last evaluated: 2023-10-27. Review status: criteria provided, single submitter. Criteria: Invitae Variant Classification Sherloc (09022015). Collection method: clinical testing. Allele origin: germline.

Color Diagnostics, LLC DBA Color Health
Classification: Likely benign for Cardiomyopathy. Last evaluated: 2019-12-16. Review status: criteria provided, single submitter. Criteria: ACMG Guidelines, 2015. Collection method: clinical testing. Allele origin: germline.

CHEO Genetics Diagnostic Laboratory, Children's Hospital of Eastern Ontario
Classification: Likely benign for Cardiomyopathy. Last evaluated: 2019-10-10. Review status: criteria provided, single submitter. Criteria: ACMG Guidelines, 2015. Collection method: clinical testing. Allele origin: germline.

Laboratory for Molecular Medicine, Mass General Brigham Personalized Medicine
Classification: Likely benign. Last evaluated: 2014-01-24. Review status: criteria provided, single submitter. Criteria: LMM Criteria. Collection method: clinical testing. Allele origin: germline. Observed: 1 variant allele.
Comment: Arg1277Arg in exon 28 of MYH7: This variant is not expected to have clinical sig nificance because it does not alter an amino acid residue and is not located wit hin the splice consensus sequence. Arg1277Arg in exon 28 of MYH7 (allele freque ncy = n/a)

NM_000257.4(MYH7):c.3829C>A (p.Arg1277=)

Gene: MYH7 (myosin heavy chain 7; minus strand). Cytogenetic location: 14q11.2.
Variant type: single nucleotide variant.
Coding change: c.3829C>A on transcript NM_000257.4 (MANE Select); coding-DNA position 3829, C replaced by A.
Protein change: p.Arg1277=; no amino-acid change (arginine 1277 retained).
Molecular consequence: synonymous variant.
Genome position (GRCh38, 1-based): chr14:23,419,507, G>T on the plus strand (C>A on the coding strand, the complement: MYH7 is on the minus strand). VCF-style: chr14-23419507-G-T. GRCh37 (hg19) VCF-style: chr14-23888716-G-T.
Identifiers: ClinVar variation 164298 (VCV000164298.12), dbSNP rs727503248, ClinGen allele CA014138.